The following is an entry in ClinVar:

ClinVar aggregate classification (germline): Uncertain significance (1 of 4 stars; one submission).

Conditions:
Familial thoracic aortic aneurysm and aortic dissection (TAAD). Also called: Thoracic aortic aneurysms and dissections. Identifiers: Orphanet 91387, MedGen C4707243, MONDO:0019625.

Submission:

All of Us Research Program, National Institutes of Health
Classification: Uncertain significance for Familial thoracic aortic aneurysm and aortic dissection. Last evaluated: 2024-05-30. Review status: criteria provided, single submitter. Criteria: ACMG Guidelines, 2015. Collection method: clinical testing. Allele origin: germline. Inheritance: Autosomal dominant inheritance. Observed: 1 variant allele, 1 heterozygote.
Comment: This missense variant replaces isoleucine with phenylalanine at codon 726 of the MYH11 protein. Computational prediction suggests that this variant may have deleterious impact on protein structure and function (internally defined REVEL score threshold >= 0.7, PMID: 27666373). To our knowledge, functional studies have not been reported for this variant. This variant has not been reported in individuals affected with MYH11-related disorders in the literature. This variant has not been identified in the general population by the Genome Aggregation Database (gnomAD). The available evidence is insufficient to determine the role of this variant in disease conclusively. Therefore, this variant is classified as a Variant of Uncertain Significance.

This study involves interpretation of variants in research participants for the purpose of population health screening. Participant phenotype was not available at the time of variant classification. Additional details can be found in publication PMID: 35346344, PMCID: PMC8962531

NM_002474.3(MYH11):c.2155A>T (p.Ile719Phe)

Gene: MYH11 (myosin heavy chain 11; minus strand). Cytogenetic location: 16p13.11.
Variant type: single nucleotide variant.
Coding change: c.2155A>T on transcript NM_002474.3 (MANE Select); coding-DNA position 2155, A replaced by T.
Protein change: p.Ile719Phe; replaces isoleucine 719 with phenylalanine.
Molecular consequence: missense variant.
Genome position (GRCh38, 1-based): chr16:15,748,072, T>A on the plus strand (A>T on the coding strand, the complement: MYH11 is on the minus strand). VCF-style: chr16-15748072-T-A. GRCh37 (hg19) VCF-style: chr16-15841929-T-A.
Other names: c.2176A>T, p.Ile726Phe (NM_001040113.2, NM_001040114.2); c.2155A>T, p.Ile719Phe (NM_022844.3); short protein forms I719F, I726F.
Identifiers: ClinVar variation 3387225 (VCV003387225.1).